The following is an entry in ClinVar:

NM_003401.5(XRCC4):c.644C>G (p.Thr215Ser)

Gene: XRCC4 (X-ray repair cross complementing 4; plus strand). Cytogenetic location: 5q14.2.
Variant type: single nucleotide variant.
Coding change: c.644C>G on transcript NM_003401.5 (MANE Select); coding-DNA position 644, C replaced by G.
Protein change: p.Thr215Ser; replaces threonine 215 with serine.
Molecular consequence: missense variant.
Genome position (GRCh38, 1-based): chr5:83,204,820, C>G. VCF-style: chr5-83204820-C-G. GRCh37 (hg19) VCF-style: chr5-82500639-C-G.
Other names: c.644C>G, p.Thr215Ser (NM_001131022.1, NM_001318012.3, NM_001318013.2 and 2 more transcripts); short protein forms T215S.
Identifiers: ClinVar variation 2122192 (VCV002122192.4), dbSNP rs969467594, ClinGen allele CA122013862.

ClinVar aggregate classification (germline): Uncertain significance (1 of 4 stars; one submission).

Allele frequency attached by ClinVar (database versions not stated): gnomAD exomes below 0.00001; TOPMed below 0.00001; gnomAD 0.00003.
gnomAD v4.1: 6 of 1,606,886 alleles (0.00037%); highest among the groups gnomAD compares: East Asian, 0.0089%; no homozygotes.

Submission:

Labcorp Genetics (formerly Invitae), Labcorp
Classification: Uncertain significance. Last evaluated: 2022-08-15. Review status: criteria provided, single submitter. Criteria: Invitae Variant Classification Sherloc (09022015). Collection method: clinical testing. Allele origin: germline.
Comment: In summary, the available evidence is currently insufficient to determine the role of this variant in disease. Therefore, it has been classified as a Variant of Uncertain Significance. Algorithms developed to predict the effect of missense changes on protein structure and function output the following: SIFT: "Not Available"; PolyPhen-2: "Benign"; Align-GVGD: "Not Available". The serine amino acid residue is found in multiple mammalian species, which suggests that this missense change does not adversely affect protein function. This variant has not been reported in the literature in individuals affected with XRCC4-related conditions. This variant is present in population databases (no rsID available, gnomAD 0.1%). This sequence change replaces threonine, which is neutral and polar, with serine, which is neutral and polar, at codon 215 of the XRCC4 protein (p.Thr215Ser).